The following is an entry in ClinVar:

NM_003079.5(SMARCE1):c.370del (p.Lys123_Ile124insTer)

Gene: SMARCE1 (SWI/SNF related BAF chromatin remodeling complex subunit E1; minus strand). Cytogenetic location: 17q21.2.
Variant type: Deletion.
Coding change: c.370del on transcript NM_003079.5 (MANE Select); coding-DNA position 370, one base deleted (A; older notation c.370delA).
Protein change: p.Lys123_Ile124insTer.
Molecular consequence: nonsense.
Genome position (GRCh38, 1-based): chr17:40,636,102, T deleted on the plus strand (A on the coding strand, the reverse complement: SMARCE1 is on the minus strand). VCF-style (leftmost placement, unchanged base first): chr17-40636101-AT-A. GRCh37 (hg19) VCF-style: chr17-38792353-AT-A.
Identifiers: ClinVar variation 3320868 (VCV003320868.2).

ClinVar aggregate classification (germline): Pathogenic (1 of 4 stars; one submission).

Conditions:
Hereditary cancer-predisposing syndrome. Also called: Neoplastic Syndromes, Hereditary; Tumor predisposition; Hereditary neoplastic syndrome; Hereditary Cancer Syndrome. Identifiers: Orphanet 140162, MedGen C0027672, MeSH D009386, MONDO:0015356.

Submission:

Ambry Genetics
Classification: Pathogenic for Hereditary cancer-predisposing syndrome. Last evaluated: 2025-01-10. Review status: criteria provided, single submitter. Criteria: Ambry Variant Classification Scheme 2023. Collection method: clinical testing. Allele origin: germline.
Comment: The c.370delA pathogenic mutation, located in coding exon 6 of the SMARCE1 gene, results from a deletion of one nucleotide at nucleotide position 370, causing a translational frameshift with a predicted alternate stop codon (p.I124*). This alteration is expected to result in loss of function by premature protein truncation or nonsense-mediated mRNA decay. This nucleotide position is highly conserved in available vertebrate species. In silico splice site analysis predicts that this alteration will weaken the native splice acceptor site and will result in the creation or strengthening of a novel splice acceptor site; however, direct evidence is insufficient (Ambry internal data). This variant is considered to be rare based on population cohorts in the Genome Aggregation Database (gnomAD). Loss-of function variants in SMARCE1 are known to cause increased risk of meningiomas; however, such associations with Coffin-Siris syndrome are exceedingly rare (Kosho T et al. Am J Med Genet C Semin Med Genet. 2014 Sep;166C(3):262-75; Smith JM et al. Nat Genet. 2013 Mar;45(3):295-8). Based on the supporting evidence, this alteration is pathogenic for an increased risk of meningiomas; however, the association of this alteration with Coffin-Siris syndrome is unlikely.